The following is an entry in ClinVar:

NM_015001.3(SPEN):c.7502G>A (p.Trp2501Ter)

Gene: SPEN (spen family transcriptional repressor; plus strand). Cytogenetic location: 1p36.13.
Variant type: single nucleotide variant.
Coding change: c.7502G>A on transcript NM_015001.3 (MANE Select); coding-DNA position 7502, G replaced by A.
Protein change: p.Trp2501Ter; replaces tryptophan 2501 with a stop codon.
Molecular consequence: nonsense.
Genome position (GRCh38, 1-based): chr1:15,933,742, G>A. VCF-style: chr1-15933742-G-A. GRCh37 (hg19) VCF-style: chr1-16260237-G-A.
Other names: short protein forms W2501*.
Identifiers: ClinVar variation 1317440 (VCV001317440.4), dbSNP rs2148742017, ClinGen allele CA338644709.
Genomic context (GRCh38, chr1:15,933,742, plus strand): 5'-CACCTCCTGTCGCCTCTGGGGGGATCCCACACCAGAGCCCCCCTACTAAGGTGACAGAGT[G>A]GATCACAAGGCAGGAGGAGCCACGGGCTCAGTCTACTCCATCTCCAGCTCTTCCCCCAGA-3'

ClinVar aggregate classification (germline): Pathogenic/Likely pathogenic. Review status: criteria provided, multiple submitters, no conflicts (2 of 4 stars). 2 submissions from 2 submitters: Pathogenic (1); Likely pathogenic (1). Last evaluated 2024-01-11.

Conditions:
SPEN-related disorder. Also called: SPEN-related condition.

Submissions (2):

GeneDx
Classification: Likely pathogenic. Last evaluated: 2024-01-11. Review status: criteria provided, single submitter. Criteria: GeneDx Variant Classification Process June 2021. Collection method: clinical testing. Allele origin: germline. Affected: yes.
Comment: Identified in an individual with neurodevelopmental disorder, however, detailed clinical information was not provided (PMID: 33004838); Nonsense variant predicted to result in protein truncation or nonsense mediated decay in a gene for which loss of function is a known mechanism of disease; Not observed at significant frequency in large population cohorts (gnomAD); This variant is associated with the following publications: (PMID: 33004838)

Blueprint Genetics
Classification: Pathogenic for SPEN-related disorders. Last evaluated: 2018-12-12. Review status: criteria provided, single submitter. Criteria: ACMG Guidelines, 2015. Collection method: clinical testing. Allele origin: germline. Affected: yes. Observed: 2 variant alleles.